The following is an entry in ClinVar:

NM_020989.4(CRYGC):c.229C>T (p.Arg77Cys)

Genes: CRYGC (crystallin gamma C; minus strand), LOC100507443 (uncharacterized LOC100507443; plus strand). Cytogenetic location: 2q33.3.
Variant type: single nucleotide variant.
Coding change: c.229C>T on transcript NM_020989.4 (MANE Select); coding-DNA position 229, C replaced by T.
Protein change: p.Arg77Cys; replaces arginine 77 with cysteine.
Molecular consequence: missense variant.
Genome position (GRCh38, 1-based): chr2:208,129,464, G>A on the plus strand (C>T on the coding strand, the complement: CRYGC is on the minus strand). VCF-style: chr2-208129464-G-A. GRCh37 (hg19) VCF-style: chr2-208994188-G-A.
Other names: c.229C>T (NM_020989.3); short protein forms R77C.
Identifiers: ClinVar variation 2041172 (VCV002041172.5), dbSNP rs746609116, ClinGen allele CA2077919.

ClinVar aggregate classification (germline): Uncertain significance. Review status: criteria provided, multiple submitters, no conflicts (2 of 4 stars). 2 submissions from 2 submitters: Uncertain significance (2). Last evaluated 2023-10-17.

Conditions:
Nuclear pulverulent cataract (CTRCT2). Identifiers: MedGen C1852438, HP:0010698.
Inborn genetic diseases. Identifiers: MedGen C0950123, MeSH D030342.

Allele frequency attached by ClinVar (database versions not stated): ExAC 0.00003.
gnomAD v4.1: 24 of 1,613,580 alleles (0.0015%); highest among the groups gnomAD compares: East Asian, 0.029%; no homozygotes.

Submissions (2):

Ambry Genetics
Classification: Uncertain significance for Inborn genetic diseases. Last evaluated: 2023-10-17. Review status: criteria provided, single submitter. Criteria: Ambry Variant Classification Scheme 2023. Collection method: clinical testing. Allele origin: germline.

Labcorp Genetics (formerly Invitae), Labcorp
Classification: Uncertain significance for Nuclear pulverulent cataract. Last evaluated: 2022-12-06. Review status: criteria provided, single submitter. Criteria: Invitae Variant Classification Sherloc (09022015). Collection method: clinical testing. Allele origin: germline.
Comment: In summary, the available evidence is currently insufficient to determine the role of this variant in disease. Therefore, it has been classified as a Variant of Uncertain Significance. Algorithms developed to predict the effect of missense changes on protein structure and function (SIFT, PolyPhen-2, Align-GVGD) all suggest that this variant is likely to be disruptive. This variant has not been reported in the literature in individuals affected with CRYGC-related conditions. This variant is present in population databases (rs746609116, gnomAD 0.006%). This sequence change replaces arginine, which is basic and polar, with cysteine, which is neutral and slightly polar, at codon 77 of the CRYGC protein (p.Arg77Cys).